The following is an entry in ClinVar:

NM_014208.3(DSPP):c.3724_3741dup (p.1236DSS[6])

Genes: DMP1-AS1 (DMP1 and DSPP antisense RNA 1; minus strand), DSPP (dentin sialophosphoprotein; plus strand). Cytogenetic location: 4q22.1.
Variant type: Duplication.
Coding change: c.3724_3741dup on transcript NM_014208.3 (MANE Select); coding-DNA positions 3724 to 3741, 18 bases duplicated (GATAGCAGTGACAGCAGC).
Protein change: p.1236DSS[6].
Molecular consequence: inframe insertion.
Genome position (GRCh38, 1-based): chr4:87,616,386-87,616,403, GATAGCAGTGACAGCAGC duplicated; duplicating any 18 consecutive bases within chr4:87,616,371-87,616,403 gives the same sequence; the c. name uses the placement nearest the transcript's 3' end. VCF-style (leftmost placement, unchanged base first): chr4-87616370-C-CAGCAGTGACAGCAGCGAT. GRCh37 (hg19) VCF-style: chr4-88537522-C-CAGCAGTGACAGCAGCGAT.
Other names: c.3708_3709insAGCAGTGACAGCAGCGAT (NM_014208.3).
Identifiers: ClinVar variation 995086 (VCV000995086.17), dbSNP rs780050498, ClinGen allele CA3001872.

ClinVar aggregate classification (germline): Conflicting classifications of pathogenicity. Review status: criteria provided, conflicting classifications (1 of 4 stars). 4 submissions from 4 submitters: Uncertain significance (1); Benign (1); Likely benign (2). Last evaluated 2025-02-16.

Submissions (4):

Laboratory of Genetics, Children's Clinical University Hospital Latvia
Classification: Likely benign. Last evaluated: 2025-02-16. Review status: criteria provided, single submitter. Criteria: ACMG Guidelines, 2015. Collection method: clinical testing. Allele origin: germline. Affected: yes.

CeGaT Center for Human Genetics Tuebingen
Classification: Uncertain significance. Last evaluated: 2025-02-01. Review status: criteria provided, single submitter. Criteria: CeGaT Center For Human Genetics Tuebingen Variant Classification Criteria Version 2. Collection method: clinical testing. Allele origin: germline. Affected: yes. Observed: 1 variant allele.
Comment: DSPP: PM2, PM4

Athena Diagnostics
Classification: Benign. Last evaluated: 2020-07-10. Review status: criteria provided, single submitter. Criteria: Athena Diagnostics Criteria. Collection method: clinical testing. Allele origin: unknown.

GeneDx
Classification: Likely benign. Last evaluated: 2018-12-14. Review status: criteria provided, single submitter. Criteria: GeneDx Variant Classification Process June 2021. Collection method: clinical testing. Allele origin: germline. Affected: yes.